The following is an entry in ClinVar:

NM_004035.7(ACOX1):c.464C>T (p.Thr155Met)

Gene: ACOX1 (acyl-CoA oxidase 1; minus strand). Cytogenetic location: 17q25.1.
Variant type: single nucleotide variant.
Coding change: c.464C>T on transcript NM_004035.7 (MANE Select); coding-DNA position 464, C replaced by T.
Protein change: p.Thr155Met; replaces threonine 155 with methionine.
Molecular consequence: missense variant.
Genome position (GRCh38, 1-based): chr17:75,957,533, G>A on the plus strand (C>T on the coding strand, the complement: ACOX1 is on the minus strand). VCF-style: chr17-75957533-G-A. GRCh37 (hg19) VCF-style: chr17-73953614-G-A.
Other names: c.350C>T, p.Thr117Met (NM_001185039.2); c.464C>T, p.Thr155Met (NM_007292.6); short protein forms T155M, T117M.
Identifiers: ClinVar variation 4739407 (VCV004739407.1).

ClinVar aggregate classification (germline): Uncertain significance (1 of 4 stars; one submission).

Conditions:
Acyl-CoA oxidase deficiency. Also called: Peroxisomal acyl-CoA oxidase deficiency; STRAIGHT-CHAIN ACYL-CoA OXIDASE DEFICIENCY; Pseudoneonatal adrenoleukodystrophy. Identifiers: Orphanet 2971, MedGen C1849678, MONDO:0009919, OMIM 264470. Disease mechanism: loss of function.

Submission:

Labcorp Genetics (formerly Invitae), Labcorp
Classification: Uncertain significance for Acyl-CoA oxidase deficiency. Last evaluated: 2025-07-02. Review status: criteria provided, single submitter. Criteria: Invitae Variant Classification Sherloc (09022015). Collection method: clinical testing. Allele origin: germline.
Comment: This sequence change replaces threonine, which is neutral and polar, with methionine, which is neutral and non-polar, at codon 155 of the ACOX1 protein (p.Thr155Met). This variant is present in population databases (rs200171541, gnomAD 0.02%). This variant has not been reported in the literature in individuals affected with ACOX1-related conditions. Invitae Evidence Modeling of protein sequence and biophysical properties (such as structural, functional, and spatial information, amino acid conservation, physicochemical variation, residue mobility, and thermodynamic stability) indicates that this missense variant is expected to disrupt ACOX1 protein function with a positive predictive value of 80%. In summary, the available evidence is currently insufficient to determine the role of this variant in disease. Therefore, it has been classified as a Variant of Uncertain Significance.